The following is an entry in ClinVar:

NM_018129.4(PNPO):c.652T>C (p.Phe218Leu)

Gene: PNPO (pyridoxamine 5'-phosphate oxidase; plus strand). Cytogenetic location: 17q21.32.
Variant type: single nucleotide variant.
Coding change: c.652T>C on transcript NM_018129.4 (MANE Select); coding-DNA position 652, T replaced by C.
Protein change: p.Phe218Leu; replaces phenylalanine 218 with leucine.
Molecular consequence: missense variant.
Genome position (GRCh38, 1-based): chr17:47,946,648, T>C. VCF-style: chr17-47946648-T-C. GRCh37 (hg19) VCF-style: chr17-46024014-T-C.
Other names: short protein forms F218L.
Identifiers: ClinVar variation 2170476 (VCV002170476.4), dbSNP rs1309159806, ClinGen allele CA400062289.

ClinVar aggregate classification (germline): Uncertain significance (1 of 4 stars; one submission).

Conditions:
Pyridoxal phosphate-responsive seizures (PNPOD). Also called: Pyridoxamine 5-Prime-Phosphate Oxidase Deficiency; Pyridoxine-5'-phosphate oxidase deficiency; EPILEPTIC ENCEPHALOPATHY, NEONATAL, PNPO-RELATED; SEIZURES, PYRIDOXINE-RESISTANT, PLP-SENSITIVE; Pyridoxal 5'-Phosphate (PLP)-Dependent Epilepsy. Identifiers: Orphanet 79096, MedGen C1864723, MONDO:0012407, OMIM 610090. Disease mechanism: loss of function.

Allele frequency attached by ClinVar (database versions not stated): gnomAD 0.00002; TOPMed 0.00002.

Submission:

Labcorp Genetics (formerly Invitae), Labcorp
Classification: Uncertain significance for Pyridoxal phosphate-responsive seizures. Last evaluated: 2022-03-01. Review status: criteria provided, single submitter. Criteria: Invitae Variant Classification Sherloc (09022015). Collection method: clinical testing. Allele origin: germline.
Comment: This variant is present in population databases (no rsID available, gnomAD 0.003%). In summary, the available evidence is currently insufficient to determine the role of this variant in disease. Therefore, it has been classified as a Variant of Uncertain Significance. Algorithms developed to predict the effect of missense changes on protein structure and function are either unavailable or do not agree on the potential impact of this missense change (SIFT: "Deleterious"; PolyPhen-2: "Probably Damaging"; Align-GVGD: "Class C0"). This variant has not been reported in the literature in individuals affected with PNPO-related conditions. This sequence change replaces phenylalanine, which is neutral and non-polar, with leucine, which is neutral and non-polar, at codon 218 of the PNPO protein (p.Phe218Leu).